The following is an entry in ClinVar:

ClinVar aggregate classification (germline): Uncertain significance (1 of 4 stars; one submission).

Conditions:
Neuroblastoma, susceptibility to, 3. Also called: ALK-Related Neuroblastic Tumor Susceptibility. Identifiers: Orphanet 635, MedGen C2751681, MONDO:0013083, OMIM 613014.

Submission:

Labcorp Genetics (formerly Invitae), Labcorp
Classification: Uncertain significance for Neuroblastoma, susceptibility to, 3. Last evaluated: 2024-01-18. Review status: criteria provided, single submitter. Criteria: Invitae Variant Classification Sherloc (09022015). Collection method: clinical testing. Allele origin: germline.
Comment: This sequence change replaces valine, which is neutral and non-polar, with alanine, which is neutral and non-polar, at codon 807 of the ALK protein (p.Val807Ala). This variant is not present in population databases (gnomAD no frequency). This variant has not been reported in the literature in individuals affected with ALK-related conditions. Algorithms developed to predict the effect of missense changes on protein structure and function output the following: SIFT: "Not Available"; PolyPhen-2: "Benign"; Align-GVGD: "Not Available". The alanine amino acid residue is found in multiple mammalian species, which suggests that this missense change does not adversely affect protein function. In summary, the available evidence is currently insufficient to determine the role of this variant in disease. Therefore, it has been classified as a Variant of Uncertain Significance.

NM_004304.5(ALK):c.2420T>C (p.Val807Ala)

Gene: ALK (ALK receptor tyrosine kinase; minus strand). Cytogenetic location: 2p23.2.
Variant type: single nucleotide variant.
Coding change: c.2420T>C on transcript NM_004304.5 (MANE Select); coding-DNA position 2420, T replaced by C.
Protein change: p.Val807Ala; replaces valine 807 with alanine.
Molecular consequence: missense variant.
Genome position (GRCh38, 1-based): chr2:29,233,632, A>G on the plus strand (T>C on the coding strand, the complement: ALK is on the minus strand). VCF-style: chr2-29233632-A-G. GRCh37 (hg19) VCF-style: chr2-29456498-A-G.
Other names: short protein forms V807A.
Identifiers: ClinVar variation 2780428 (VCV002780428.3), dbSNP rs2148184535, ClinGen allele CA346472302.